The following is an entry in ClinVar:

NM_001042492.3(NF1):c.7912dup (p.Ile2638fs)

Gene: NF1 (neurofibromin 1; plus strand). Cytogenetic location: 17q11.2.
Variant type: Duplication.
Coding change: c.7912dup on transcript NM_001042492.3 (MANE Select); coding-DNA position 7912, one base duplicated (A; older notation c.7912dupA).
Protein change: p.Ile2638fs; shifts the reading frame from isoleucine 2638.
Molecular consequence: frameshift variant.
Genome position (GRCh38, 1-based): chr17:31,357,311, A duplicated; the last of 2 consecutive A bases (chr17:31,357,310-31,357,311); duplicating either gives the same sequence. VCF-style (leftmost placement, unchanged base first): chr17-31357309-G-GA. GRCh37 (hg19) VCF-style: chr17-29684327-G-GA.
Other names: c.7849dup, p.Ile2617fs (NM_000267.4); short protein forms I2638fs, I2617fs.
Identifiers: ClinVar variation 4723050 (VCV004723050.1).
Genomic context (GRCh38, chr17:31,357,309, plus strand): 5'-ACTTTTTTGCATCTTGGCAGGCTACACTGGTAAAATATACCACAGATGAGTTTGATCAAC[G>GA]AATTCTTTATGAATACTTAGCAGAGGCCAGTGTTGTGTTTCCCAAAGTCTTTCCTGTTGT-3'

ClinVar aggregate classification (germline): Pathogenic (1 of 4 stars; one submission).

Conditions:
Neurofibromatosis, type 1 (NF1). Also called: NEUROFIBROMATOSIS, TYPE I, SOMATIC; VON RECKLINGHAUSEN DISEASE; Peripheral type neurofibromatosis; Neurofibromatosis, type I. Identifiers: Orphanet 636, MedGen C0027831, MONDO:0018975, OMIM 162200. Disease mechanism: loss of function.

Submission:

Labcorp Genetics (formerly Invitae), Labcorp
Classification: Pathogenic for Neurofibromatosis, type 1. Last evaluated: 2025-07-13. Review status: criteria provided, single submitter. Criteria: Invitae Variant Classification Sherloc (09022015). Collection method: clinical testing. Allele origin: germline.
Comment: This sequence change creates a premature translational stop signal (p.Ile2617Asnfs*4) in the NF1 gene. It is expected to result in an absent or disrupted protein product. Loss-of-function variants in NF1 are known to be pathogenic (PMID: 10712197, 23913538). This variant is not present in population databases (gnomAD no frequency). This variant has not been reported in the literature in individuals affected with NF1-related conditions. For these reasons, this variant has been classified as Pathogenic.

Literature cited by the submitters: PubMed 10712197; PubMed 23913538.